The following is an entry in ClinVar:

ClinVar aggregate classification (germline): Uncertain significance (1 of 4 stars; one submission).

Conditions:
Developmental and epileptic encephalopathy, 53. Also called: Epileptic encephalopathy, early infantile, 53. Identifiers: MedGen C4479313, MONDO:0033362, OMIM 617389.
Early-onset Parkinson disease 20. Also called: PARKINSON DISEASE 20, AUTOSOMAL RECESSIVE EARLY-ONSET. Identifiers: Orphanet 391411, MedGen C3809824, MONDO:0014233, OMIM 615530.

Allele frequency attached by ClinVar (database versions not stated): gnomAD 0.00001; TOPMed 0.00001.
gnomAD v4.1: 42 of 1,612,876 alleles (0.0026%); highest among the groups gnomAD compares: Non-Finnish European, 0.0036%; no homozygotes.

Submission:

Labcorp Genetics (formerly Invitae), Labcorp
Classification: Uncertain significance for Developmental and epileptic encephalopathy, 53; Early-onset Parkinson disease 20. Last evaluated: 2018-12-13. Review status: criteria provided, single submitter. Criteria: Invitae Variant Classification Sherloc (09022015). Collection method: clinical testing. Allele origin: germline.
Comment: This sequence change replaces tyrosine with serine at codon 374 of the SYNJ1 protein (p.Tyr374Ser). The tyrosine residue is highly conserved and there is a large physicochemical difference between tyrosine and serine. This variant is not present in population databases (ExAC no frequency). In summary, the available evidence is currently insufficient to determine the role of this variant in disease. Therefore, it has been classified as a Variant of Uncertain Significance. Algorithms developed to predict the effect of missense changes on protein structure and function (SIFT, PolyPhen-2, Align-GVGD) all suggest that this variant is likely to be disruptive, but these predictions have not been confirmed by published functional studies and their clinical significance is uncertain. This variant has not been reported in the literature in individuals with SYNJ1-related conditions.

NM_203446.3(SYNJ1):c.1004A>C (p.Tyr335Ser)

Gene: SYNJ1 (synaptojanin 1; minus strand). Cytogenetic location: 21q22.11.
Variant type: single nucleotide variant.
Coding change: c.1004A>C on transcript NM_203446.3 (MANE Select); coding-DNA position 1004, A replaced by C.
Protein change: p.Tyr335Ser; replaces tyrosine 335 with serine.
Molecular consequence: missense variant.
Genome position (GRCh38, 1-based): chr21:32,685,862, T>G on the plus strand (A>C on the coding strand, the complement: SYNJ1 is on the minus strand). VCF-style: chr21-32685862-T-G. GRCh37 (hg19) VCF-style: chr21-34058172-T-G.
Other names: c.1004A>C, p.Tyr335Ser (NM_001160302.2, NM_001160306.2); c.1121A>C, p.Tyr374Ser (NM_003895.4); short protein forms Y374S, Y335S.
Identifiers: ClinVar variation 665285 (VCV000665285.7), dbSNP rs1469620917, ClinGen allele CA410093166.